The following is an entry in ClinVar:

ClinVar aggregate classification (germline): Uncertain significance (1 of 4 stars; one submission).

Allele frequency attached by ClinVar (database versions not stated): gnomAD 0.00001.

Submission:

CeGaT Center for Human Genetics Tuebingen
Classification: Uncertain significance. Last evaluated: 2022-11-01. Review status: criteria provided, single submitter. Criteria: CeGaT Center For Human Genetics Tuebingen Variant Classification Criteria Version 2. Collection method: clinical testing. Allele origin: germline. Affected: yes. Observed: 1 variant allele.
Comment: ELOVL5: PM2, BP4

NM_021814.5(ELOVL5):c.190A>T (p.Ile64Phe)

Gene: ELOVL5 (ELOVL fatty acid elongase 5; minus strand). Cytogenetic location: 6p12.1.
Variant type: single nucleotide variant.
Coding change: c.190A>T on transcript NM_021814.5 (MANE Select); coding-DNA position 190, A replaced by T.
Protein change: p.Ile64Phe; replaces isoleucine 64 with phenylalanine.
Molecular consequence: missense variant.
Genome position (GRCh38, 1-based): chr6:53,291,832, T>A on the plus strand (A>T on the coding strand, the complement: ELOVL5 is on the minus strand). VCF-style: chr6-53291832-T-A. GRCh37 (hg19) VCF-style: chr6-53156630-T-A.
Other names: c.190A>T, p.Ile64Phe (NM_001301856.2, NM_001242828.2, NM_001242830.2); short protein forms I64F.
Identifiers: ClinVar variation 2656648 (VCV002656648.24), dbSNP rs1211605888, ClinGen allele CA364483472.